The following is an entry in ClinVar:

NM_002075.4(GNB3):c.316G>T (p.Ala106Ser)

Gene: GNB3 (G protein subunit beta 3; plus strand). Cytogenetic location: 12p13.31.
Variant type: single nucleotide variant.
Coding change: c.316G>T on transcript NM_002075.4 (MANE Select); coding-DNA position 316, G replaced by T.
Protein change: p.Ala106Ser; replaces alanine 106 with serine.
Molecular consequence: missense variant.
Genome position (GRCh38, 1-based): chr12:6,843,411, G>T. VCF-style: chr12-6843411-G-T. GRCh37 (hg19) VCF-style: chr12-6952575-G-T.
Other names: c.316G>T, p.Ala106Ser (NM_001297571.2); c.316G>T (NM_002075.2); short protein forms A106S.
Identifiers: ClinVar variation 1063266 (VCV001063266.9), dbSNP rs147992054, ClinGen allele CA232398645.

ClinVar aggregate classification (germline): Uncertain significance. Review status: criteria provided, multiple submitters, no conflicts (2 of 4 stars). 3 submissions from 3 submitters: Uncertain significance (3). Last evaluated 2025-04-17.

Conditions:
Inborn genetic diseases. Identifiers: MedGen C0950123, MeSH D030342.

Allele frequency attached by ClinVar (database versions not stated): gnomAD exomes 0.00001; gnomAD 0.00002; TOPMed 0.00003; ESP Exome Variant Server 0.00008.
gnomAD v4.1: 129 of 1,614,056 alleles (0.008%); highest among the groups gnomAD compares: Non-Finnish European, 0.011%; no homozygotes.

Submissions (3):

Labcorp Genetics (formerly Invitae), Labcorp
Classification: Uncertain significance. Last evaluated: 2025-04-17. Review status: criteria provided, single submitter. Criteria: Invitae Variant Classification Sherloc (09022015). Collection method: clinical testing. Allele origin: germline.
Comment: This sequence change replaces alanine, which is neutral and non-polar, with serine, which is neutral and polar, at codon 106 of the GNB3 protein (p.Ala106Ser). This variant is present in population databases (rs147992054, gnomAD 0.002%). This variant has not been reported in the literature in individuals affected with GNB3-related conditions. ClinVar contains an entry for this variant (Variation ID: 1063266). Invitae Evidence Modeling of protein sequence and biophysical properties (such as structural, functional, and spatial information, amino acid conservation, physicochemical variation, residue mobility, and thermodynamic stability) indicates that this missense variant is not expected to disrupt GNB3 protein function with a negative predictive value of 80%. Algorithms developed to predict the effect of sequence changes on RNA splicing suggest that this variant may disrupt the consensus splice site. In summary, the available evidence is currently insufficient to determine the role of this variant in disease. Therefore, it has been classified as a Variant of Uncertain Significance.

Blueprint Genetics
Classification: Uncertain significance. Last evaluated: 2024-09-10. Review status: criteria provided, single submitter. Criteria: ACMG Guidelines, 2015. Collection method: clinical testing. Allele origin: germline.

Ambry Genetics
Classification: Uncertain significance for Inborn genetic diseases. Last evaluated: 2024-06-16. Review status: criteria provided, single submitter. Criteria: Ambry Variant Classification Scheme 2023. Collection method: clinical testing. Allele origin: germline.